The following is an entry in ClinVar:

NM_001351132.2(PEX5):c.1057A>G (p.Asn353Asp)

Gene: PEX5 (peroxisomal biogenesis factor 5; plus strand). Cytogenetic location: 12p13.31.
Variant type: single nucleotide variant.
Coding change: c.1057A>G on transcript NM_001351132.2 (MANE Select); coding-DNA position 1057, A replaced by G.
Protein change: p.Asn353Asp; replaces asparagine 353 with aspartic acid.
Molecular consequence: missense variant.
Genome position (GRCh38, 1-based): chr12:7,207,749, A>G. VCF-style: chr12-7207749-A-G. GRCh37 (hg19) VCF-style: chr12-7360345-A-G.
Other names: c.1033A>G, p.Asn345Asp (NM_000319.5); c.1102A>G, p.Asn368Asp (NM_001131023.2); c.946A>G, p.Asn316Asp (NM_001131024.2, NM_001351124.3, NM_001351126.2 and 7 more transcripts); c.1057A>G, p.Asn353Asp (NM_001131025.2, NM_001131026.2, NM_001300789.3 and 4 more transcripts); c.991A>G, p.Asn331Asp (NM_001351135.3, NM_001351138.2); c.1048A>G, p.Asn350Asp (NM_001351136.2); c.922A>G, p.Asn308Asp (NM_001351139.2, NM_001351140.2, NM_001374649.2); short protein forms N308D, N316D, N331D, N345D, N350D, N353D, N368D.
Identifiers: ClinVar variation 1001207 (VCV001001207.6), dbSNP rs971400240, ClinGen allele CA383730690.
Genomic context (GRCh38, chr12:7,207,749, plus strand): 5'-CGTGATCACCCTCAGCCTTTTGAAGAAGGGCTGCGGCGCCTTCAGGAGGGGGACCTGCCA[A>G]ATGCTGTGCTGCTTTTTGAGGCAGCTGTGCAGCAGGATCCTAAGCACATGGAAGTGAGTG-3'
Protein context (NP_001338061.1, residues 343-363): LRRLQEGDLP[Asn353Asp]AVLLFEAAVQ

ClinVar aggregate classification (germline): Uncertain significance (1 of 4 stars; one submission).

Conditions:
Peroxisome biogenesis disorder 2B (PBD2B). Identifiers: Orphanet 44, MedGen C3550234, MONDO:0008736, OMIM 202370.

Allele frequency attached by ClinVar (database versions not stated): TOPMed below 0.00001; gnomAD 0.00001.

Submission:

Labcorp Genetics (formerly Invitae), Labcorp
Classification: Uncertain significance for Peroxisome biogenesis disorder 2B. Last evaluated: 2021-08-25. Review status: criteria provided, single submitter. Criteria: Invitae Variant Classification Sherloc (09022015). Collection method: clinical testing. Allele origin: germline.
Comment: This sequence change replaces asparagine with aspartic acid at codon 353 of the PEX5 protein (p.Asn353Asp). The asparagine residue is moderately conserved and there is a small physicochemical difference between asparagine and aspartic acid. This variant is not present in population databases (ExAC no frequency). This variant has not been reported in the literature in individuals affected with PEX5-related conditions. Algorithms developed to predict the effect of missense changes on protein structure and function (SIFT, PolyPhen-2, Align-GVGD) all suggest that this variant is likely to be tolerated. In summary, the available evidence is currently insufficient to determine the role of this variant in disease. Therefore, it has been classified as a Variant of Uncertain Significance.